The following is an entry in ClinVar:

ClinVar aggregate classification (germline): Uncertain significance (1 of 4 stars; one submission).

Conditions:
Inflammatory bowel disease 28. Also called: Inflammatory bowel disease 28, early onset, autosomal recessive. Identifiers: Orphanet 238569, MedGen C2751053, MONDO:0013153, OMIM 613148.

gnomAD v4.1: 38 of 1,614,032 alleles (0.0024%); highest among the groups gnomAD compares: East Asian, 0.085%; no homozygotes.

Submission:

Labcorp Genetics (formerly Invitae), Labcorp
Classification: Uncertain significance for Inflammatory bowel disease 28. Last evaluated: 2025-11-16. Review status: criteria provided, single submitter. Criteria: Invitae Variant Classification Sherloc (09022015). Collection method: clinical testing. Allele origin: germline.
Comment: This sequence change replaces proline, which is neutral and non-polar, with threonine, which is neutral and polar, at codon 175 of the IL10RA protein (p.Pro175Thr). This variant is present in population databases (rs200329320, gnomAD 0.03%). This variant has not been reported in the literature in individuals affected with IL10RA-related conditions. Invitae Evidence Modeling of protein sequence and biophysical properties (such as structural, functional, and spatial information, amino acid conservation, physicochemical variation, residue mobility, and thermodynamic stability) has been performed for this missense variant. However, the output from this modeling did not meet the statistical confidence thresholds required to predict the impact of this variant on IL10RA protein function. Algorithms developed to predict the effect of sequence changes on RNA splicing suggest that this variant may create or strengthen a splice site. In summary, the available evidence is currently insufficient to determine the role of this variant in disease. Therefore, it has been classified as a Variant of Uncertain Significance.

NM_001558.4(IL10RA):c.523C>A (p.Pro175Thr)

Gene: IL10RA (interleukin 10 receptor subunit alpha; plus strand). Cytogenetic location: 11q23.3.
Variant type: single nucleotide variant.
Coding change: c.523C>A on transcript NM_001558.4 (MANE Select); coding-DNA position 523, C replaced by A.
Protein change: p.Pro175Thr; replaces proline 175 with threonine.
Molecular consequence: missense variant. On other transcripts: non-coding transcript variant (1).
Genome position (GRCh38, 1-based): chr11:117,993,396, C>A. VCF-style: chr11-117993396-C-A. GRCh37 (hg19) VCF-style: chr11-117864111-C-A.
Other names: c.76C>A, p.Pro26Thr (NM_001440423.1); short protein forms P175T, P26T.
Identifiers: ClinVar variation 4743646 (VCV004743646.1).